The following is an entry in ClinVar:

NM_024334.3(TMEM43):c.882+17A>G

Gene: TMEM43 (transmembrane protein 43; plus strand). Cytogenetic location: 3p25.1.
Variant type: single nucleotide variant.
Coding change: c.882+17A>G on transcript NM_024334.3 (MANE Select); 17 bases into the intron after coding-DNA position 882, A replaced by G.
Molecular consequence: intron variant.
Genome position (GRCh38, 1-based): chr3:14,135,925, A>G. VCF-style: chr3-14135925-A-G. GRCh37 (hg19) VCF-style: chr3-14177425-A-G.
Identifiers: ClinVar variation 391400 (VCV000391400.10), dbSNP rs370443570, ClinGen allele CA055936.

ClinVar aggregate classification (germline): Likely benign. Review status: criteria provided, multiple submitters, no conflicts (2 of 4 stars). 4 submissions from 4 submitters: Likely benign (2). 2 of the submissions do not count toward it. Last evaluated 2026-01-19.

Conditions:
Arrhythmogenic right ventricular dysplasia 5. Also called: Arrhythmogenic Right Ventricular Dysplasia/Cardiomyopathy 5; ARRHYTHMOGENIC RIGHT VENTRICULAR DYSPLASIA, FAMILIAL, 5. Identifiers: MedGen C1858379, MONDO:0011459, OMIM 604400.

Allele frequency attached by ClinVar (database versions not stated): gnomAD exomes 0.00005; ExAC 0.00007; ESP Exome Variant Server 0.00008; TOPMed 0.00010; gnomAD 0.00011.
gnomAD v4.1: 41 of 1,601,534 alleles (0.0026%); highest among the groups gnomAD compares: African/African-American, 0.029%; no homozygotes.

Submissions (4):

Labcorp Genetics (formerly Invitae), Labcorp
Classification: Likely benign for Arrhythmogenic right ventricular dysplasia 5. Last evaluated: 2026-01-19. Review status: criteria provided, single submitter. Criteria: Invitae Variant Classification Sherloc (09022015). Collection method: clinical testing. Allele origin: germline.

GeneDx
Classification: Likely benign. Last evaluated: 2016-12-06. Review status: criteria provided, single submitter. Criteria: GeneDx Variant Classification (06012015). Collection method: clinical testing. Allele origin: germline. Affected: yes.
Comment: This variant is considered likely benign or benign based on one or more of the following criteria: it is a conservative change, it occurs at a poorly conserved position in the protein, it is predicted to be benign by multiple in silico algorithms, and/or has population frequency not consistent with disease.

Clinical Genetics, Academic Medical Center
Classification: Benign. Review status: no assertion criteria provided. Collection method: clinical testing. Allele origin: germline. Affected: yes. Study: VKGL Data-share Consensus. Not counted in ClinVar's aggregate classification.

Genome Diagnostics Laboratory, University Medical Center Utrecht
Classification: Likely benign. Review status: no assertion criteria provided. Collection method: clinical testing. Allele origin: germline. Affected: yes. Study: VKGL Data-share Consensus. Not counted in ClinVar's aggregate classification.